The following is an entry in ClinVar:

ClinVar aggregate classification (germline): Uncertain significance (1 of 4 stars; one submission).

Submission:

GeneDx
Classification: Uncertain significance. Last evaluated: 2025-05-22. Review status: criteria provided, single submitter. Criteria: GeneDx Variant Classification Process June 2021. Collection method: clinical testing. Allele origin: germline. Affected: yes.
Comment: Not observed at significant frequency in large population cohorts (gnomAD); In silico analysis supports that this missense variant has a deleterious effect on protein structure/function; Has not been previously published as pathogenic or benign to our knowledge

NM_003470.3(USP7):c.2344A>C (p.Thr782Pro)

Gene: USP7 (ubiquitin specific peptidase 7; minus strand). Cytogenetic location: 16p13.2.
Variant type: single nucleotide variant.
Coding change: c.2344A>C on transcript NM_003470.3 (MANE Select); coding-DNA position 2344, A replaced by C.
Protein change: p.Thr782Pro; replaces threonine 782 with proline.
Molecular consequence: missense variant. On other transcripts: non-coding transcript variant (1).
Genome position (GRCh38, 1-based): chr16:8,899,723, T>G on the plus strand (A>C on the coding strand, the complement: USP7 is on the minus strand). VCF-style: chr16-8899723-T-G. GRCh37 (hg19) VCF-style: chr16-8993580-T-G.
Other names: c.2296A>C, p.Thr766Pro (NM_001286457.2); c.2047A>C, p.Thr683Pro (NM_001286458.2); c.2170A>C, p.Thr724Pro (NM_001321858.2); short protein forms T683P, T724P, T766P, T782P.
Identifiers: ClinVar variation 4530747 (VCV004530747.1).